The following is an entry in ClinVar:

ClinVar aggregate classification (germline): Likely benign. Review status: criteria provided, multiple submitters, no conflicts (2 of 4 stars). 2 submissions from 2 submitters: Likely benign (2). Last evaluated 2025-10-29.

Conditions:
TCOF1-related disorder. Also called: TCOF1-related condition.
Treacher Collins syndrome 1 (TCS1). Also called: TCOF1-Related Treacher Collins Syndrome. Identifiers: Orphanet 861, MedGen CN315775, MONDO:0007944, OMIM 154500.

Allele frequency attached by ClinVar (database versions not stated): gnomAD 0.00003; gnomAD exomes 0.00003; ExAC 0.00004; ESP Exome Variant Server 0.00008; 1000 Genomes Project 30x 0.00016; 1000 Genomes Project 0.00020.
gnomAD v4.1: 45 of 1,597,984 alleles (0.0028%); highest among the groups gnomAD compares: South Asian, 0.012%; no homozygotes.

Submissions (2):

PreventionGenetics, part of Exact Sciences
Classification: Likely benign for TCOF1-related condition. Last evaluated: 2025-10-29. Review status: criteria provided, single submitter. Criteria: ACMG Guidelines, 2015. Collection method: clinical testing. Allele origin: germline.
Comment: This variant is classified as likely benign based on ACMG/AMP sequence variant interpretation guidelines (Richards et al. 2015 PMID: 25741868, with internal and published modifications).

Labcorp Genetics (formerly Invitae), Labcorp
Classification: Likely benign for Treacher Collins syndrome 1. Last evaluated: 2022-02-25. Review status: criteria provided, single submitter. Criteria: Invitae Variant Classification Sherloc (09022015). Collection method: clinical testing. Allele origin: germline.

NM_001371623.1(TCOF1):c.4338C>T (p.Ser1446=)

Gene: TCOF1 (treacle ribosome biogenesis factor 1; plus strand). Cytogenetic location: 5q32.
Variant type: single nucleotide variant.
Coding change: c.4338C>T on transcript NM_001371623.1 (MANE Select); coding-DNA position 4338, C replaced by T.
Protein change: p.Ser1446=; no amino-acid change (serine 1446 retained).
Molecular consequence: synonymous variant.
Genome position (GRCh38, 1-based): chr5:150,396,835, C>T. VCF-style: chr5-150396835-C-T. GRCh37 (hg19) VCF-style: chr5-149776398-C-T.
Other names: c.4335C>T (NM_001135243.1); c.4104C>T, p.Ser1368= (NM_000356.4); c.4335C>T, p.Ser1445= (NM_001135243.2); c.4224C>T, p.Ser1408= (NM_001135244.2); c.4107C>T, p.Ser1369= (NM_001135245.2); c.4221C>T, p.Ser1407= (NM_001195141.2).
Identifiers: ClinVar variation 2414280 (VCV002414280.8), dbSNP rs373475686, ClinGen allele CA3511714.